The following is an entry in ClinVar:

ClinVar aggregate classification (germline): Uncertain significance. Review status: criteria provided, single submitter (1 of 4 stars). 2 submissions from 2 submitters: Uncertain significance (1). 1 of the submissions does not count toward it. Last evaluated 2020-07-07.

Conditions:
Propionic acidemia (PROP). Also called: GLYCINEMIA, KETOTIC; HYPERGLYCINEMIA WITH KETOACIDOSIS AND LEUKOPENIA; KETOTIC HYPERGLYCINEMIA. Identifiers: Orphanet 35, MedGen C0268579, MONDO:0011628, OMIM 606054, HP:0003571.

Allele frequency attached by ClinVar (database versions not stated): gnomAD exomes below 0.00001; ExAC 0.00001.
gnomAD v4.1: 1 of 1,609,546 alleles (0.000062%); highest among the groups gnomAD compares: Admixed American, 0.0017%; no homozygotes.

Submissions (2):

Labcorp Genetics (formerly Invitae), Labcorp
Classification: Uncertain significance for Propionic acidemia. Last evaluated: 2020-07-07. Review status: criteria provided, single submitter. Criteria: Invitae Variant Classification Sherloc (09022015). Collection method: clinical testing. Allele origin: germline.
Comment: This sequence change falls in intron 13 of the PCCB gene. It does not directly change the encoded amino acid sequence of the PCCB protein, but it affects a nucleotide within the consensus splice site of the intron. This variant is present in population databases (rs767511434, ExAC 0.009%). This variant has not been reported in the literature in individuals with PCCB-related conditions. Nucleotide substitutions within the consensus splice site are a relatively common cause of aberrant splicing (PMID: 17576681, 9536098). Algorithms developed to predict the effect of sequence changes on RNA splicing suggest that this variant is not likely to affect RNA splicing, but this prediction has not been confirmed by published transcriptional studies. In summary, the available evidence is currently insufficient to determine the role of this variant in disease. Therefore, it has been classified as a Variant of Uncertain Significance.

Natera, Inc.
Classification: Uncertain significance for Propionic acidemia. Last evaluated: 2021-04-01. Review status: no assertion criteria provided. Collection method: clinical testing. Allele origin: germline. Not counted in ClinVar's aggregate classification.

Literature cited by the submitters: PubMed 17576681 (cited by Labcorp Genetics (formerly Invitae), Labcorp); PubMed 9536098 (cited by Labcorp Genetics (formerly Invitae), Labcorp).

NM_000532.5(PCCB):c.1398+3G>A

Gene: PCCB (propionyl-CoA carboxylase subunit beta; plus strand). Cytogenetic location: 3q22.3.
Variant type: single nucleotide variant.
Coding change: c.1398+3G>A on transcript NM_000532.5 (MANE Select); 3 bases into the intron after coding-DNA position 1398, G replaced by A.
Molecular consequence: intron variant.
Genome position (GRCh38, 1-based): chr3:136,327,735, G>A. VCF-style: chr3-136327735-G-A. GRCh37 (hg19) VCF-style: chr3-136046577-G-A.
Other names: c.1458+3G>A (NM_001178014.2).
Identifiers: ClinVar variation 1002126 (VCV001002126.5), dbSNP rs767511434, ClinGen allele CA2632164.